The following is an entry in ClinVar:

NM_130837.3(OPA1):c.2128A>G (p.Ile710Val)

Gene: OPA1 (OPA1 mitochondrial dynamin like GTPase; plus strand). Cytogenetic location: 3q29.
Variant type: single nucleotide variant.
Coding change: c.2128A>G on transcript NM_130837.3 (MANE Select); coding-DNA position 2128, A replaced by G.
Protein change: p.Ile710Val; replaces isoleucine 710 with valine.
Molecular consequence: missense variant.
Genome position (GRCh38, 1-based): chr3:193,654,977, A>G. VCF-style: chr3-193654977-A-G. GRCh37 (hg19) VCF-style: chr3-193372766-A-G.
Other names: c.1594A>G, p.Ile532Val (NM_001354663.2); c.1591A>G, p.Ile531Val (NM_001354664.2); c.1963A>G, p.Ile655Val (NM_015560.3); c.1855A>G, p.Ile619Val (NM_130831.3); c.1909A>G, p.Ile637Val (NM_130832.3); c.1966A>G, p.Ile656Val (NM_130833.3); c.2017A>G, p.Ile673Val (NM_130834.3); c.2020A>G, p.Ile674Val (NM_130835.3); and 1 more; short protein forms I637V, I692V, I619V, I673V, I710V, I531V, I674V, I532V.
Identifiers: ClinVar variation 2789794 (VCV002789794.3), dbSNP rs1423458322, ClinGen allele CA355791221.

ClinVar aggregate classification (germline): Uncertain significance (1 of 4 stars; one submission).

Allele frequency attached by ClinVar (database versions not stated): gnomAD exomes below 0.00001; gnomAD 0.00001.
gnomAD v4.1: 3 of 1,613,996 alleles (0.00019%); highest among the groups gnomAD compares: East Asian, 0.0067%; no homozygotes.

Submission:

Labcorp Genetics (formerly Invitae), Labcorp
Classification: Uncertain significance. Last evaluated: 2023-12-30. Review status: criteria provided, single submitter. Criteria: Invitae Variant Classification Sherloc (09022015). Collection method: clinical testing. Allele origin: germline.
Comment: This sequence change replaces isoleucine, which is neutral and non-polar, with valine, which is neutral and non-polar, at codon 655 of the OPA1 protein (p.Ile655Val). This variant is present in population databases (no rsID available, gnomAD 0.006%). This variant has not been reported in the literature in individuals affected with OPA1-related conditions. Advanced modeling of protein sequence and biophysical properties (such as structural, functional, and spatial information, amino acid conservation, physicochemical variation, residue mobility, and thermodynamic stability) performed at Invitae indicates that this missense variant is not expected to disrupt OPA1 protein function with a negative predictive value of 80%. In summary, the available evidence is currently insufficient to determine the role of this variant in disease. Therefore, it has been classified as a Variant of Uncertain Significance.